The following is an entry in ClinVar:

ClinVar aggregate classification (germline): Uncertain significance (1 of 4 stars; one submission).

Allele frequency attached by ClinVar (database versions not stated): ExAC 0.00001.

Submission:

Labcorp Genetics (formerly Invitae), Labcorp
Classification: Uncertain significance. Last evaluated: 2022-01-01. Review status: criteria provided, single submitter. Criteria: Invitae Variant Classification Sherloc (09022015). Collection method: clinical testing. Allele origin: germline.
Comment: This variant has not been reported in the literature in individuals affected with ASXL2-related conditions. In summary, the available evidence is currently insufficient to determine the role of this variant in disease. Therefore, it has been classified as a Variant of Uncertain Significance. Algorithms developed to predict the effect of missense changes on protein structure and function are either unavailable or do not agree on the potential impact of this missense change (SIFT: "Tolerated"; PolyPhen-2: "Not Available"; Align-GVGD: "Class C0"). This variant is present in population databases (rs768548056, gnomAD 0.0009%). This sequence change replaces glycine, which is neutral and non-polar, with aspartic acid, which is acidic and polar, at codon 545 of the ASXL2 protein (p.Gly545Asp).

NM_018263.6(ASXL2):c.1634G>A (p.Gly545Asp)

Gene: ASXL2 (ASXL transcriptional regulator 2; minus strand). Cytogenetic location: 2p23.3.
Variant type: single nucleotide variant.
Coding change: c.1634G>A on transcript NM_018263.6 (MANE Select); coding-DNA position 1634, G replaced by A.
Protein change: p.Gly545Asp; replaces glycine 545 with aspartic acid.
Molecular consequence: missense variant.
Genome position (GRCh38, 1-based): chr2:25,749,922, C>T on the plus strand (G>A on the coding strand, the complement: ASXL2 is on the minus strand). VCF-style: chr2-25749922-C-T. GRCh37 (hg19) VCF-style: chr2-25972791-C-T.
Other names: c.1460G>A, p.Gly487Asp (NM_001369346.1); c.854G>A, p.Gly285Asp (NM_001369347.1); short protein forms G545D, G285D, G487D.
Identifiers: ClinVar variation 2068606 (VCV002068606.4), dbSNP rs768548056, ClinGen allele CA1557784.
Genomic context (GRCh38, chr2:25,749,922, plus strand): 5'-CTTTCTGGGCTCTGATCAACAAGAGTTGCTAGAGGTTCTTTCATATTAGTCTCCTGTGGA[C>T]CCGCTCCTGCTGTGGGCTTCACTATTGGTTTTTCAACCCCAGGACTCTTGGGTTTGCTTG-3'
Protein context (NP_060733.4, residues 535-555): KPIVKPTAGA[Gly545Asp]PQETNMKEPL